The following is an entry in ClinVar:

ClinVar aggregate classification (germline): Uncertain significance (1 of 4 stars; one submission).

Allele frequency attached by ClinVar (database versions not stated): gnomAD exomes below 0.00001.
gnomAD v4.1: 1 of 1,614,150 alleles (0.000062%); highest among the groups gnomAD compares: Non-Finnish European, 0.000085%; no homozygotes.

Submission:

Labcorp Genetics (formerly Invitae), Labcorp
Classification: Uncertain significance. Last evaluated: 2022-11-15. Review status: criteria provided, single submitter. Criteria: Invitae Variant Classification Sherloc (09022015). Collection method: clinical testing. Allele origin: germline.
Comment: In summary, the available evidence is currently insufficient to determine the role of this variant in disease. Therefore, it has been classified as a Variant of Uncertain Significance. Advanced modeling of protein sequence and biophysical properties (such as structural, functional, and spatial information, amino acid conservation, physicochemical variation, residue mobility, and thermodynamic stability) performed at Invitae indicates that this missense variant is not expected to disrupt TRAP1 protein function. This variant has not been reported in the literature in individuals affected with TRAP1-related conditions. This variant is not present in population databases (gnomAD no frequency). This sequence change replaces alanine, which is neutral and non-polar, with valine, which is neutral and non-polar, at codon 137 of the TRAP1 protein (p.Ala137Val).

NM_016292.3(TRAP1):c.410C>T (p.Ala137Val)

Gene: TRAP1 (TNF receptor associated protein 1; minus strand). Cytogenetic location: 16p13.3.
Variant type: single nucleotide variant.
Coding change: c.410C>T on transcript NM_016292.3 (MANE Select); coding-DNA position 410, C replaced by T.
Protein change: p.Ala137Val; replaces alanine 137 with valine.
Molecular consequence: missense variant.
Genome position (GRCh38, 1-based): chr16:3,686,057, G>A on the plus strand (C>T on the coding strand, the complement: TRAP1 is on the minus strand). VCF-style: chr16-3686057-G-A. GRCh37 (hg19) VCF-style: chr16-3736058-G-A.
Other names: c.251C>T, p.Ala84Val (NM_001272049.2); short protein forms A137V, A84V.
Identifiers: ClinVar variation 2811758 (VCV002811758.3), dbSNP rs2548318342, ClinGen allele CA394571446.